The following is an entry in ClinVar:

ClinVar aggregate classification (germline): Uncertain significance (1 of 4 stars; one submission).

Conditions:
Hereditary cancer-predisposing syndrome. Also called: Neoplastic Syndromes, Hereditary; Tumor predisposition; Hereditary Cancer Syndrome; Hereditary neoplastic syndrome. Identifiers: Orphanet 140162, MedGen C0027672, MeSH D009386, MONDO:0015356.

Submission:

Ambry Genetics
Classification: Uncertain significance for Hereditary cancer-predisposing syndrome. Last evaluated: 2025-08-23. Review status: criteria provided, single submitter. Criteria: Ambry Variant Classification Scheme 2023. Collection method: clinical testing. Allele origin: germline.
Comment: The p.R27T variant (also known as c.80G>C), located in coding exon 2 of the SDHD gene, results from a G to C substitution at nucleotide position 80. The arginine at codon 27 is replaced by threonine, an amino acid with similar properties. This amino acid position is conserved. In addition, this alteration is predicted to be deleterious by in silico analysis. Based on the available evidence, the clinical significance of this variant remains unclear.

NM_003002.4(SDHD):c.80G>C (p.Arg27Thr)

Gene: SDHD (succinate dehydrogenase complex subunit D; plus strand). Cytogenetic location: 11q23.1.
Variant type: single nucleotide variant.
Coding change: c.80G>C on transcript NM_003002.4 (MANE Select); coding-DNA position 80, G replaced by C.
Protein change: p.Arg27Thr; replaces arginine 27 with threonine.
Molecular consequence: missense variant. On other transcripts: non-coding transcript variant (1), intron variant (1).
Genome position (GRCh38, 1-based): chr11:112,087,884, G>C. VCF-style: chr11-112087884-G-C. GRCh37 (hg19) VCF-style: chr11-111958608-G-C.
Other names: c.52+925G>C (NM_001276504.2); c.80G>C, p.Arg27Thr (NM_001276503.2, NM_001276506.2); short protein forms R27T.
Identifiers: ClinVar variation 4161274 (VCV004161274.1).